The following is an entry in ClinVar:

NM_022114.4(PRDM16):c.1951G>A (p.Gly651Ser)

Gene: PRDM16 (PR/SET domain 16; plus strand). Cytogenetic location: 1p36.32.
Variant type: single nucleotide variant.
Coding change: c.1951G>A on transcript NM_022114.4 (MANE Select); coding-DNA position 1951, G replaced by A.
Protein change: p.Gly651Ser; replaces glycine 651 with serine.
Molecular consequence: missense variant.
Genome position (GRCh38, 1-based): chr1:3,412,148, G>A. VCF-style: chr1-3412148-G-A. GRCh37 (hg19) VCF-style: chr1-3328712-G-A.
Other names: c.1951G>A, p.Gly651Ser (NM_199454.3); short protein forms G651S.
Identifiers: ClinVar variation 541381 (VCV000541381.9), dbSNP rs770305450, ClinGen allele CA544340.

ClinVar aggregate classification (germline): Conflicting classifications of pathogenicity. Review status: criteria provided, conflicting classifications (1 of 4 stars). 2 submissions from 2 submitters: Uncertain significance (1); Likely benign (1). Last evaluated 2025-05-07.

Conditions:
Left ventricular noncompaction 8 (LVNC8). Identifiers: Orphanet 154, Orphanet 54260, MedGen C3809288, MONDO:0014152, OMIM 615373.

Allele frequency attached by ClinVar (database versions not stated): ExAC 0.00002; gnomAD exomes 0.00003 and 0.00006; TOPMed 0.00005; gnomAD 0.00007.
gnomAD v4.1: 102 of 1,560,826 alleles (0.0065%); highest among the groups gnomAD compares: Non-Finnish European, 0.0078%; no homozygotes.

Submissions (2):

Labcorp Genetics (formerly Invitae), Labcorp
Classification: Uncertain significance for Left ventricular noncompaction 8. Last evaluated: 2025-05-07. Review status: criteria provided, single submitter. Criteria: Invitae Variant Classification Sherloc (09022015). Collection method: clinical testing. Allele origin: germline.
Comment: This sequence change replaces glycine, which is neutral and non-polar, with serine, which is neutral and polar, at codon 651 of the PRDM16 protein (p.Gly651Ser). This variant is present in population databases (rs770305450, gnomAD 0.007%). This variant has not been reported in the literature in individuals affected with PRDM16-related conditions. ClinVar contains an entry for this variant (Variation ID: 541381). An algorithm developed to predict the effect of missense changes on protein structure and function outputs the following: PolyPhen-2: "Benign". The serine amino acid residue is found in multiple mammalian species, which suggests that this missense change does not adversely affect protein function. In summary, the available evidence is currently insufficient to determine the role of this variant in disease. Therefore, it has been classified as a Variant of Uncertain Significance.

Blueprint Genetics
Classification: Likely benign. Last evaluated: 2024-07-11. Review status: criteria provided, single submitter. Criteria: ACMG Guidelines, 2015. Collection method: clinical testing. Allele origin: germline.